The following is an entry in ClinVar:

ClinVar aggregate classification (germline): Conflicting classifications of pathogenicity. Review status: criteria provided, conflicting classifications (1 of 4 stars). 6 submissions from 6 submitters: Uncertain significance (4); Likely benign (2). Last evaluated 2025-12-24.

Allele frequency attached by ClinVar (database versions not stated): 1000 Genomes Project 30x 0.00016; TOPMed 0.00054; ExAC 0.00068; gnomAD 0.00074 and 0.00080; gnomAD exomes 0.00079 and 0.00117; ESP Exome Variant Server 0.00088.
gnomAD v4.1: 1,729 of 1,550,336 alleles (0.11%); highest among the groups gnomAD compares: Non-Finnish European, 0.12%; no homozygotes.

Submissions (6):

Labcorp Genetics (formerly Invitae), Labcorp
Classification: Likely benign. Last evaluated: 2025-12-24. Review status: criteria provided, single submitter. Criteria: Invitae Variant Classification Sherloc (09022015). Collection method: clinical testing. Allele origin: germline.

Center for Genomic Medicine, Rigshospitalet, Copenhagen University Hospital
Classification: Uncertain significance. Last evaluated: 2025-03-04. Review status: criteria provided, single submitter. Criteria: ACMG Guidelines, 2015. Collection method: clinical testing. Allele origin: germline.

Mayo Clinic Laboratories, Mayo Clinic
Classification: Uncertain significance. Last evaluated: 2024-11-15. Review status: criteria provided, single submitter. Criteria: ACMG Guidelines, 2015. Collection method: clinical testing. Allele origin: germline. Observed: 4 variant alleles.
Comment: BP4, BP5

Blueprint Genetics
Classification: Uncertain significance. Last evaluated: 2024-08-08. Review status: criteria provided, single submitter. Criteria: ACMG Guidelines, 2015. Collection method: clinical testing. Allele origin: germline.

ARUP Laboratories, Molecular Genetics and Genomics, ARUP Laboratories
Classification: Likely benign. Last evaluated: 2023-11-09. Review status: criteria provided, single submitter. Criteria: ARUP Molecular Germline Variant Investigation Process 2024. Collection method: clinical testing. Allele origin: germline.

GeneDx
Classification: Uncertain significance. Last evaluated: 2022-05-16. Review status: criteria provided, single submitter. Criteria: GeneDx Variant Classification Process June 2021. Collection method: clinical testing. Allele origin: germline. Affected: yes.
Comment: In silico analysis supports that this missense variant has a deleterious effect on protein structure/function; Has not been previously published as pathogenic or benign to our knowledge; This variant is associated with the following publications: (PMID: 34662886)

Literature cited by the submitters: PubMed 37516005 (cited by Mayo Clinic Laboratories, Mayo Clinic).

NM_001142864.4(PIEZO1):c.3602C>T (p.Thr1201Met)

Gene: PIEZO1 (piezo type mechanosensitive ion channel component 1 (Er blood group); minus strand). Cytogenetic location: 16q24.3.
Variant type: single nucleotide variant.
Coding change: c.3602C>T on transcript NM_001142864.4 (MANE Select); coding-DNA position 3602, C replaced by T.
Protein change: p.Thr1201Met; replaces threonine 1201 with methionine.
Molecular consequence: missense variant.
Genome position (GRCh38, 1-based): chr16:88,726,812, G>A on the plus strand (C>T on the coding strand, the complement: PIEZO1 is on the minus strand). VCF-style: chr16-88726812-G-A. GRCh37 (hg19) VCF-style: chr16-88793220-G-A.
Other names: p.Thr1201Met; short protein forms T1201M.
Identifiers: ClinVar variation 811783 (VCV000811783.22), dbSNP rs372935580, ClinGen allele CA8232445.